The following is an entry in ClinVar:

ClinVar aggregate classification (germline): Uncertain significance (1 of 4 stars; one submission).

Conditions:
Aicardi-Goutieres syndrome 5. Identifiers: Orphanet 51, MedGen C2749659, MONDO:0013059, OMIM 612952.

Submission:

Labcorp Genetics (formerly Invitae), Labcorp
Classification: Uncertain significance for Aicardi-Goutieres syndrome 5. Last evaluated: 2018-12-27. Review status: criteria provided, single submitter. Criteria: Invitae Variant Classification Sherloc (09022015). Collection method: clinical testing. Allele origin: germline.
Comment: This sequence change falls in intron 12 of the SAMHD1 gene. It does not directly change the encoded amino acid sequence of the SAMHD1 protein, but it affects a nucleotide within the consensus splice site of the intron. This variant is not present in population databases (ExAC no frequency). This variant has not been reported in the literature in individuals with SAMHD1-related disease. Nucleotide substitutions within the consensus splice site are a relatively common cause of aberrant splicing (PMID: 17576681, 9536098). Algorithms developed to predict the effect of sequence changes on RNA splicing suggest that this variant may disrupt the consensus splice site, but this prediction has not been confirmed by published transcriptional studies. In summary, the available evidence is currently insufficient to determine the role of this variant in disease. Therefore, it has been classified as a Variant of Uncertain Significance.

Literature cited by the submitters: PubMed 17576681; PubMed 9536098.

NM_015474.4(SAMHD1):c.1410+5G>T

Gene: SAMHD1 (SAM and HD domain containing deoxynucleoside triphosphate triphosphohydrolase 1; minus strand). Cytogenetic location: 20q11.23.
Variant type: single nucleotide variant.
Coding change: c.1410+5G>T on transcript NM_015474.4 (MANE Select); 5 bases into the intron after coding-DNA position 1410, G replaced by T.
Molecular consequence: intron variant.
Genome position (GRCh38, 1-based): chr20:36,905,359, C>A on the plus strand (G>T on the coding strand, the complement: SAMHD1 is on the minus strand). VCF-style: chr20-36905359-C-A. GRCh37 (hg19) VCF-style: chr20-35533762-C-A.
Other names: c.1410+5G>T (NM_001363729.2, NM_001363733.2).
Identifiers: ClinVar variation 649187 (VCV000649187.2), dbSNP rs1601119476, ClinGen allele CA915952290.